The following is an entry in ClinVar:

NC_000013.11:g.76991953T>A

Gene: CLN5 (CLN5 lysosomal BMP synthase; plus strand). Cytogenetic location: 13q22.3.
Variant type: single nucleotide variant.
Molecular consequence: missense variant (on NM_006493.2).
Genome position: GRCh38 VCF-style: chr13-76991953-T-A. GRCh37 (hg19) VCF-style: chr13-77566088-T-A.
Other names: c.2T>A, p.Met1Lys (NM_006493.2).
Identifiers: ClinVar variation 205134 (VCV000205134.13), dbSNP rs201615354, ClinGen allele CA313888.
Genomic context (GRCh38, chr13:76,991,953, plus strand): 5'-AGCACCTTCCTGGACTGCAAAGTGTGGAAGCCGCCGCGGGCCGGGCGCGGGGAGGTGTCA[T>A]GCGCCGGAACCTGCGCTTGGGGCCAAGCTCTGGAGCTGACGCGCAGGGGCAAGGCGCCCC-3'

ClinVar aggregate classification (germline): Conflicting classifications of pathogenicity. Review status: criteria provided, conflicting classifications (1 of 4 stars). 4 submissions from 4 submitters: Uncertain significance (2); Likely benign (1). 1 of the submissions does not count toward it. Last evaluated 2022-01-03.

Conditions:
Neuronal ceroid lipofuscinosis. Also called: Neuronal Ceroid Lipofuscinoses. Identifiers: Orphanet 216, Orphanet 79263, MedGen C0027877, MONDO:0016295. Disease mechanism: loss of function.
Neuronal ceroid lipofuscinosis 5 (CLN5). Also called: CEROID LIPOFUSCINOSIS, NEURONAL, 5, VARIABLE AGE AT ONSET; Neuronal ceroid lipofuscinosis Finnish variant; NEURONAL CEROID LIPOFUSCINOSIS, LATE INFANTILE, FINNISH VARIANT; CLN5-Related Neuronal Ceroid-Lipofuscinosis. Identifiers: Orphanet 168491, Orphanet 228360, MedGen C1850442, MONDO:0009745, OMIM 256731.

Submissions (4):

Labcorp Genetics (formerly Invitae), Labcorp
Classification: Likely benign for Neuronal ceroid lipofuscinosis. Last evaluated: 2022-01-03. Review status: criteria provided, single submitter. Criteria: Invitae Variant Classification Sherloc (09022015). Collection method: clinical testing. Allele origin: germline.

Genome-Nilou Lab
Classification: Uncertain significance for Neuronal ceroid lipofuscinosis 5. Last evaluated: 2021-09-05. Review status: criteria provided, single submitter. Criteria: ACMG Guidelines, 2015. Collection method: clinical testing. Allele origin: germline. Affected: no.

GeneDx
Classification: Uncertain significance. Last evaluated: 2015-04-27. Review status: criteria provided, single submitter. Criteria: GeneDx Variant Classification (06012015). Collection method: clinical testing. Allele origin: germline. Affected: yes.
Comment: The c.2 T>C nucleotide substitution has not been published as a mutation, nor has it been reported as a benign polymorphism to our knowledge. This substitution alters the initiator Methionine codon, and the resultant protein would be described as p.Met1?" to signify that it is not known if the loss of Met1 means that all protein translation is completely prevented or if a protein is produced using an alternative Methionine initiator codon. The c.2 T>C variant was not observed with any significant frequency in approximately 6,500 individuals of European and African American ancestry in the NHLBI Exome Sequencing Project, but the 1000 Genomes Project reports c.2 C>T was observed as an apparently homozygous variant in one individual of Finnish ancestry. In silico analysis is inconsistent in its predictions as to whether or not the variant is damaging to the protein structure/function. Therefore, based on the currently available information, it is unclear whether this variant is a pathogenic mutation or a rare benign variant."

Counsyl
Classification: Uncertain significance for Neuronal ceroid lipofuscinosis 5. Last evaluated: 2018-01-22. Review status: no assertion criteria provided. Collection method: clinical testing. Allele origin: unknown. Not counted in ClinVar's aggregate classification.

Literature cited by the submitters: PubMed 11971870 (cited by Counsyl); PubMed 20052765 (cited by Counsyl); PubMed 12134079 (cited by Counsyl).